The following is an entry in ClinVar:

ClinVar aggregate classification (germline): Uncertain significance (1 of 4 stars; one submission).

Allele frequency attached by ClinVar (database versions not stated): TOPMed below 0.00001; gnomAD 0.00002; gnomAD exomes 0.00003 and 0.00006; ExAC 0.00009; 1000 Genomes Project 30x 0.00016; 1000 Genomes Project 0.00020.

Submission:

Labcorp Genetics (formerly Invitae), Labcorp
Classification: Uncertain significance. Last evaluated: 2025-08-26. Review status: criteria provided, single submitter. Criteria: Invitae Variant Classification Sherloc (09022015). Collection method: clinical testing. Allele origin: germline.
Comment: This sequence change replaces proline, which is neutral and non-polar, with serine, which is neutral and polar, at codon 23 of the THBD protein (p.Pro23Ser). This variant is present in population databases (rs575112505, gnomAD 0.04%), and has an allele count higher than expected for a pathogenic variant. This variant has not been reported in the literature in individuals affected with THBD-related conditions. ClinVar contains an entry for this variant (Variation ID: 1385892). Invitae Evidence Modeling of protein sequence and biophysical properties (such as structural, functional, and spatial information, amino acid conservation, physicochemical variation, residue mobility, and thermodynamic stability) has been performed for this missense variant. However, the output from this modeling did not meet the statistical confidence thresholds required to predict the impact of this variant on THBD protein function. In summary, the available evidence is currently insufficient to determine the role of this variant in disease. Therefore, it has been classified as a Variant of Uncertain Significance.

NM_000361.3(THBD):c.67C>T (p.Pro23Ser)

Gene: THBD (thrombomodulin; minus strand). Cytogenetic location: 20p11.21.
Variant type: single nucleotide variant.
Coding change: c.67C>T on transcript NM_000361.3 (MANE Select); coding-DNA position 67, C replaced by T.
Protein change: p.Pro23Ser; replaces proline 23 with serine.
Molecular consequence: missense variant.
Genome position (GRCh38, 1-based): chr20:23,049,438, G>A on the plus strand (C>T on the coding strand, the complement: THBD is on the minus strand). VCF-style: chr20-23049438-G-A. GRCh37 (hg19) VCF-style: chr20-23030075-G-A.
Other names: short protein forms P23S.
Identifiers: ClinVar variation 1385892 (VCV001385892.8), dbSNP rs575112505, ClinGen allele CA9787805.